The following is an entry in ClinVar:

NM_004656.4(BAP1):c.736C>G (p.His246Asp)

Gene: BAP1 (BRCA1 associated deubiquitinase 1; minus strand). Cytogenetic location: 3p21.1.
Variant type: single nucleotide variant.
Coding change: c.736C>G on transcript NM_004656.4 (MANE Select); coding-DNA position 736, C replaced by G.
Protein change: p.His246Asp; replaces histidine 246 with aspartic acid.
Molecular consequence: missense variant.
Genome position (GRCh38, 1-based): chr3:52,406,300, G>C on the plus strand (C>G on the coding strand, the complement: BAP1 is on the minus strand). VCF-style: chr3-52406300-G-C. GRCh37 (hg19) VCF-style: chr3-52440316-G-C.
Other names: short protein forms H246D.
Identifiers: ClinVar variation 926820 (VCV000926820.16), dbSNP rs999764581, ClinGen allele CA74743199.

ClinVar aggregate classification (germline): Conflicting classifications of pathogenicity. Review status: criteria provided, conflicting classifications (1 of 4 stars). 5 submissions from 5 submitters: Uncertain significance (4); Likely benign (1). Last evaluated 2025-05-25.

Conditions:
BAP1-related tumor predisposition syndrome (TPDS1). Also called: Tumor susceptibility linked to germline BAP1 mutations; COMMON Syndrome; TUMOR PREDISPOSITION SYNDROME 1; BAP1 tumor predisposition syndrome. Identifiers: Orphanet 289539, MedGen C3280492, MONDO:0013692, OMIM 614327.
Hereditary cancer-predisposing syndrome. Also called: Neoplastic Syndromes, Hereditary; Tumor predisposition; Hereditary Cancer Syndrome; Hereditary neoplastic syndrome. Identifiers: Orphanet 140162, MedGen C0027672, MeSH D009386, MONDO:0015356.

Allele frequency attached by ClinVar (database versions not stated): TOPMed below 0.00001.
gnomAD v4.1: 1 of 1,614,206 alleles (0.000062%); highest among the groups gnomAD compares: African/African-American, 0.0013%; no homozygotes.

Submissions (5):

Labcorp Genetics (formerly Invitae), Labcorp
Classification: Uncertain significance for BAP1-related tumor predisposition syndrome. Last evaluated: 2025-05-25. Review status: criteria provided, single submitter. Criteria: Invitae Variant Classification Sherloc (09022015). Collection method: clinical testing. Allele origin: germline.
Comment: This sequence change replaces histidine, which is basic and polar, with aspartic acid, which is acidic and polar, at codon 246 of the BAP1 protein (p.His246Asp). This variant is not present in population databases (gnomAD no frequency). This variant has not been reported in the literature in individuals affected with BAP1-related conditions. ClinVar contains an entry for this variant (Variation ID: 926820). Invitae Evidence Modeling of protein sequence and biophysical properties (such as structural, functional, and spatial information, amino acid conservation, physicochemical variation, residue mobility, and thermodynamic stability) indicates that this missense variant is not expected to disrupt BAP1 protein function with a negative predictive value of 80%. In summary, the available evidence is currently insufficient to determine the role of this variant in disease. Therefore, it has been classified as a Variant of Uncertain Significance.

Ambry Genetics
Classification: Likely benign for Hereditary cancer-predisposing syndrome. Last evaluated: 2025-01-07. Review status: criteria provided, single submitter. Criteria: Ambry Variant Classification Scheme 2023. Collection method: clinical testing. Allele origin: germline.

GeneDx
Classification: Uncertain significance. Last evaluated: 2024-11-13. Review status: criteria provided, single submitter. Criteria: GeneDx Variant Classification Process June 2021. Collection method: clinical testing. Allele origin: germline. Affected: yes.
Comment: Not observed at significant frequency in large population cohorts (gnomAD); In silico analysis supports that this missense variant does not alter protein structure/function; Has not been previously published as pathogenic or benign to our knowledge

Color Diagnostics, LLC DBA Color Health
Classification: Uncertain significance for Hereditary cancer-predisposing syndrome. Last evaluated: 2023-12-04. Review status: criteria provided, single submitter. Criteria: ACMG Guidelines, 2015. Collection method: clinical testing. Allele origin: germline.
Comment: This missense variant replaces histidine with aspartic acid at codon 246 of the BAP1 protein. Computational prediction suggests that this variant may not impact protein structure and function (internally defined REVEL score threshold <= 0.5, PMID: 27666373). To our knowledge, functional studies have not been reported for this variant. This variant has not been reported in individuals affected with BAP1-related disorders in the literature. This variant has not been identified in the general population by the Genome Aggregation Database (gnomAD). The available evidence is insufficient to determine the role of this variant in disease conclusively. Therefore, this variant is classified as a Variant of Uncertain Significance.

Baylor Genetics
Classification: Uncertain significance for BAP1-related tumor predisposition syndrome. Last evaluated: 2023-09-13. Review status: criteria provided, single submitter. Criteria: ACMG Guidelines, 2015. Collection method: clinical testing. Allele origin: unknown.

Literature cited by the submitters: PubMed 38969833 (cited by Ambry Genetics).